The following is an entry in ClinVar:

NM_007272.3(CTRC):c.55G>A (p.Val19Met)

Gene: CTRC (chymotrypsin C; plus strand). Cytogenetic location: 1p36.21.
Variant type: single nucleotide variant.
Coding change: c.55G>A on transcript NM_007272.3 (MANE Select); coding-DNA position 55, G replaced by A.
Protein change: p.Val19Met; replaces valine 19 with methionine.
Molecular consequence: missense variant.
Genome position (GRCh38, 1-based): chr1:15,440,314, G>A. VCF-style: chr1-15440314-G-A. GRCh37 (hg19) VCF-style: chr1-15766810-G-A.
Other names: short protein forms V19M.
Identifiers: ClinVar variation 2449713 (VCV002449713.3), dbSNP rs751854409, ClinGen allele CA338564421.

ClinVar aggregate classification (germline): Uncertain significance (1 of 4 stars; one submission).

Conditions:
Hereditary pancreatitis (PCTT). Also called: Hereditary chronic pancreatitis; PRSS1-Related Hereditary Pancreatitis. Identifiers: Orphanet 676, MedGen C0238339, MONDO:0008185, OMIM 167800.

gnomAD v4.1: 6 of 1,608,376 alleles (0.00037%); highest among the groups gnomAD compares: Non-Finnish European, 0.00051%; no homozygotes.

Submission:

Ambry Genetics
Classification: Uncertain significance for Hereditary pancreatitis. Last evaluated: 2025-03-30. Review status: criteria provided, single submitter. Criteria: Ambry Variant Classification Scheme 2023. Collection method: clinical testing. Allele origin: germline.
Comment: The p.V19M variant (also known as c.55G>A), located in coding exon 2 of the CTRC gene, results from a G to A substitution at nucleotide position 55. The valine at codon 19 is replaced by methionine, an amino acid with highly similar properties. This amino acid position is conserved. In addition, this alteration is predicted to be tolerated by in silico analysis. Since supporting evidence is limited at this time, the clinical significance of this alteration remains unclear.